The following is an entry in ClinVar:

NM_002439.5(MSH3):c.1680G>C (p.Leu560Phe)

Gene: MSH3 (mutS homolog 3; plus strand). Cytogenetic location: 5q14.1.
Variant type: single nucleotide variant.
Coding change: c.1680G>C on transcript NM_002439.5 (MANE Select); coding-DNA position 1680, G replaced by C.
Protein change: p.Leu560Phe; replaces leucine 560 with phenylalanine.
Molecular consequence: missense variant.
Genome position (GRCh38, 1-based): chr5:80,744,532, G>C. VCF-style: chr5-80744532-G-C. GRCh37 (hg19) VCF-style: chr5-80040351-G-C.
Other names: c.1680G>C (NM_002439.3); short protein forms L560F.
Identifiers: ClinVar variation 2126872 (VCV002126872.5), dbSNP rs542448674, ClinGen allele CA121301410.

ClinVar aggregate classification (germline): Uncertain significance. Review status: criteria provided, multiple submitters, no conflicts (2 of 4 stars). 2 submissions from 2 submitters: Uncertain significance (2). Last evaluated 2025-07-02.

Conditions:
Hereditary cancer-predisposing syndrome. Also called: Hereditary neoplastic syndrome; Tumor predisposition; Hereditary Cancer Syndrome; Neoplastic Syndromes, Hereditary. Identifiers: Orphanet 140162, MedGen C0027672, MeSH D009386, MONDO:0015356.

Submissions (2):

Labcorp Genetics (formerly Invitae), Labcorp
Classification: Uncertain significance. Last evaluated: 2025-07-02. Review status: criteria provided, single submitter. Criteria: Invitae Variant Classification Sherloc (09022015). Collection method: clinical testing. Allele origin: germline.
Comment: This sequence change replaces leucine, which is neutral and non-polar, with phenylalanine, which is neutral and non-polar, at codon 560 of the MSH3 protein (p.Leu560Phe). This variant is not present in population databases (gnomAD no frequency). This variant has not been reported in the literature in individuals affected with MSH3-related conditions. ClinVar contains an entry for this variant (Variation ID: 2126872). An algorithm developed to predict the effect of missense changes on protein structure and function (PolyPhen-2) suggests that this variant is likely to be disruptive. In summary, the available evidence is currently insufficient to determine the role of this variant in disease. Therefore, it has been classified as a Variant of Uncertain Significance.

Ambry Genetics
Classification: Uncertain significance for Hereditary cancer-predisposing syndrome. Last evaluated: 2024-12-17. Review status: criteria provided, single submitter. Criteria: Ambry Variant Classification Scheme 2023. Collection method: clinical testing. Allele origin: germline.
Comment: The p.L560F variant (also known as c.1680G>C), located in coding exon 12 of the MSH3 gene, results from a G to C substitution at nucleotide position 1680. The leucine at codon 560 is replaced by phenylalanine, an amino acid with highly similar properties. This amino acid position is conserved. In addition, this alteration is predicted to be deleterious by in silico analysis. Based on the available evidence, the clinical significance of this variant remains unclear.